The following is an entry in ClinVar:

NM_004006.3(DMD):c.3864A>C (p.Lys1288Asn)

Gene: DMD (dystrophin; minus strand). Cytogenetic location: Xp21.1.
Variant type: single nucleotide variant.
Coding change: c.3864A>C on transcript NM_004006.3 (MANE Select); coding-DNA position 3864, A replaced by C.
Protein change: p.Lys1288Asn; replaces lysine 1288 with asparagine.
Molecular consequence: missense variant.
Genome position (GRCh38, 1-based): chrX:32,441,237, T>G on the plus strand (A>C on the coding strand, the complement: DMD is on the minus strand). VCF-style: chrX-32441237-T-G. GRCh37 (hg19) VCF-style: chrX-32459354-T-G.
Other names: c.3840A>C, p.Lys1280Asn (NM_000109.4); c.3852A>C, p.Lys1284Asn (NM_004009.3); c.3495A>C, p.Lys1165Asn (NM_004010.3); short protein forms K1165N, K1280N, K1284N, K1288N.
Identifiers: ClinVar variation 3223652 (VCV003223652.2), dbSNP rs910045310, ClinGen allele CA328027274.

ClinVar aggregate classification (germline): Conflicting classifications of pathogenicity. Review status: criteria provided, conflicting classifications (1 of 4 stars). 2 submissions from 2 submitters: Uncertain significance (1); Likely benign (1). Last evaluated 2025-10-02.

Conditions:
Duchenne muscular dystrophy (DMD). Also called: MUSCULAR DYSTROPHY, PSEUDOHYPERTROPHIC PROGRESSIVE, DUCHENNE TYPE; Duchenne Muscular Dystrophy (DMD). Identifiers: Orphanet 98896, MedGen C0013264, MONDO:0010679, OMIM 310200.
Cardiovascular phenotype. Identifiers: MedGen CN230736.

Allele frequency attached by ClinVar (database versions not stated): gnomAD exomes below 0.00001; gnomAD 0.00001; TOPMed 0.00001.
gnomAD v4.1: 2 of 1,207,522 alleles (0.00017%); highest among the groups gnomAD compares: African/African-American, 0.0018%; no homozygotes.

Submissions (2):

Labcorp Genetics (formerly Invitae), Labcorp
Classification: Uncertain significance for Duchenne muscular dystrophy. Last evaluated: 2025-10-02. Review status: criteria provided, single submitter. Criteria: Invitae Variant Classification Sherloc (09022015). Collection method: clinical testing. Allele origin: germline.
Comment: This sequence change replaces lysine, which is basic and polar, with asparagine, which is neutral and polar, at codon 1288 of the DMD protein (p.Lys1288Asn). This variant is not present in population databases (gnomAD no frequency). This variant has not been reported in the literature in individuals affected with DMD-related conditions. ClinVar contains an entry for this variant (Variation ID: 3223652). Invitae Evidence Modeling of protein sequence and biophysical properties (such as structural, functional, and spatial information, amino acid conservation, physicochemical variation, residue mobility, and thermodynamic stability) indicates that this missense variant is not expected to disrupt DMD protein function with a negative predictive value of 95%. In summary, the available evidence is currently insufficient to determine the role of this variant in disease. Therefore, it has been classified as a Variant of Uncertain Significance.

Ambry Genetics
Classification: Likely benign for Cardiovascular phenotype. Last evaluated: 2024-01-08. Review status: criteria provided, single submitter. Criteria: Ambry Variant Classification Scheme 2023. Collection method: clinical testing. Allele origin: germline.